The following is an entry in ClinVar:

NM_000179.3(MSH6):c.1855G>A (p.Glu619Lys)

Gene: MSH6 (mutS homolog 6; plus strand). Cytogenetic location: 2p16.3.
Variant type: single nucleotide variant.
Coding change: c.1855G>A on transcript NM_000179.3 (MANE Select); coding-DNA position 1855, G replaced by A.
Protein change: p.Glu619Lys; replaces glutamic acid 619 with lysine.
Molecular consequence: missense variant.
Genome position (GRCh38, 1-based): chr2:47,799,838, G>A. VCF-style: chr2-47799838-G-A. GRCh37 (hg19) VCF-style: chr2-48026977-G-A.
Other names: c.1465G>A, p.Glu489Lys (NM_001281492.2); c.949G>A, p.Glu317Lys (NM_001281493.2, NM_001281494.2); short protein forms E619K, E489K, E317K.
Identifiers: ClinVar variation 839071 (VCV000839071.13), dbSNP rs1669384406, ClinGen allele CA346749766.

ClinVar aggregate classification (germline): Uncertain significance. Review status: criteria provided, multiple submitters, no conflicts (2 of 4 stars). 3 submissions from 3 submitters: Uncertain significance (3). Last evaluated 2025-10-07.

Conditions:
Hereditary nonpolyposis colorectal neoplasms. Identifiers: MedGen C0009405, MeSH D003123.
Endometrial carcinoma. Also called: Endometrial carcinoma, somatic. Identifiers: MedGen C0476089, MONDO:0002447, OMIM 608089, HP:0012114.
Hereditary cancer-predisposing syndrome. Also called: Neoplastic Syndromes, Hereditary; Tumor predisposition; Hereditary neoplastic syndrome; Hereditary Cancer Syndrome. Identifiers: Orphanet 140162, MedGen C0027672, MeSH D009386, MONDO:0015356.

Submissions (3):

Labcorp Genetics (formerly Invitae), Labcorp
Classification: Uncertain significance for Hereditary nonpolyposis colorectal neoplasms. Last evaluated: 2025-10-07. Review status: criteria provided, single submitter. Criteria: Invitae Variant Classification Sherloc (09022015). Collection method: clinical testing. Allele origin: germline.
Comment: This sequence change replaces glutamic acid, which is acidic and polar, with lysine, which is basic and polar, at codon 619 of the MSH6 protein (p.Glu619Lys). This variant is not present in population databases (gnomAD no frequency). This variant has not been reported in the literature in individuals affected with MSH6-related conditions. ClinVar contains an entry for this variant (Variation ID: 839071). Invitae Evidence Modeling of protein sequence and biophysical properties (such as structural, functional, and spatial information, amino acid conservation, physicochemical variation, residue mobility, and thermodynamic stability) has been performed for this missense variant. However, the output from this modeling did not meet the statistical confidence thresholds required to predict the impact of this variant on MSH6 protein function. In summary, the available evidence is currently insufficient to determine the role of this variant in disease. Therefore, it has been classified as a Variant of Uncertain Significance.

Baylor Genetics
Classification: Uncertain significance for Endometrial carcinoma. Last evaluated: 2023-09-15. Review status: criteria provided, single submitter. Criteria: ACMG Guidelines, 2015. Collection method: clinical testing. Allele origin: unknown.

Ambry Genetics
Classification: Uncertain significance for Hereditary cancer-predisposing syndrome. Last evaluated: 2021-03-26. Review status: criteria provided, single submitter. Criteria: Ambry Variant Classification Scheme 2023. Collection method: clinical testing. Allele origin: germline.
Comment: The p.E619K variant (also known as c.1855G>A), located in coding exon 4 of the MSH6 gene, results from a G to A substitution at nucleotide position 1855. The glutamic acid at codon 619 is replaced by lysine, an amino acid with similar properties. This amino acid position is highly conserved in available vertebrate species. In addition, this alteration is predicted to be deleterious by in silico analysis. Since supporting evidence is limited at this time, the clinical significance of this alteration remains unclear.